The following is an entry in ClinVar:

ClinVar aggregate classification (germline): Uncertain significance (1 of 4 stars; one submission).

Conditions:
Inborn genetic diseases. Identifiers: MedGen C0950123, MeSH D030342.

gnomAD v4.1: 1 of 1,613,462 alleles (0.000062%); highest among the groups gnomAD compares: Non-Finnish European, 0.000085%; no homozygotes.

Submission:

Ambry Genetics
Classification: Uncertain significance for Inborn genetic diseases. Last evaluated: 2025-04-19. Review status: criteria provided, single submitter. Criteria: Ambry Variant Classification Scheme 2023. Collection method: clinical testing. Allele origin: germline.
Comment: The p.I1389M variant (also known as c.4167T>G), located in coding exon 1 of the SAMD9L gene, results from a T to G substitution at nucleotide position 4167. The isoleucine at codon 1389 is replaced by methionine, an amino acid with highly similar properties. This amino acid position is conserved. In addition, this alteration is predicted to be tolerated by in silico analysis. Based on the available evidence, the clinical significance of this variant remains unclear.

NM_152703.5(SAMD9L):c.4167T>G (p.Ile1389Met)

Gene: SAMD9L (sterile alpha motif domain containing 9 like; minus strand). Cytogenetic location: 7q21.2.
Variant type: single nucleotide variant.
Coding change: c.4167T>G on transcript NM_152703.5 (MANE Select); coding-DNA position 4167, T replaced by G.
Protein change: p.Ile1389Met; replaces isoleucine 1389 with methionine.
Molecular consequence: missense variant.
Genome position (GRCh38, 1-based): chr7:93,131,805, A>C on the plus strand (T>G on the coding strand, the complement: SAMD9L is on the minus strand). VCF-style: chr7-93131805-A-C. GRCh37 (hg19) VCF-style: chr7-92761118-A-C.
Other names: c.4167T>G, p.Ile1389Met (NM_001303496.3, NM_001303497.3, NM_001303498.3 and 5 more transcripts); short protein forms I1389M.
Identifiers: ClinVar variation 3949861 (VCV003949861.1).